The following is an entry in ClinVar:

NM_002230.4(JUP):c.1908C>T (p.Ser636=)

Gene: JUP (junction plakoglobin; minus strand). Cytogenetic location: 17q21.2.
Variant type: single nucleotide variant.
Coding change: c.1908C>T on transcript NM_002230.4 (MANE Select); coding-DNA position 1908, C replaced by T.
Protein change: p.Ser636=; no amino-acid change (serine 636 retained).
Molecular consequence: synonymous variant.
Genome position (GRCh38, 1-based): chr17:41,757,650, G>A on the plus strand (C>T on the coding strand, the complement: JUP is on the minus strand). VCF-style: chr17-41757650-G-A. GRCh37 (hg19) VCF-style: chr17-39913902-G-A.
Other names: c.1908C>T, p.Ser636= (NM_001352773.2, NM_001352774.2, NM_001352775.2 and 3 more transcripts).
Identifiers: ClinVar variation 387602 (VCV000387602.11), dbSNP rs782122765, ClinGen allele CA16607630.

ClinVar aggregate classification (germline): Benign/Likely benign. Review status: criteria provided, multiple submitters, no conflicts (2 of 4 stars). 3 submissions from 3 submitters: Benign (1); Likely benign (2). Last evaluated 2025-10-22.

Conditions:
Naxos disease (NXD). Also called: CARDIOMYOPATHY, ARRHYTHMOGENIC RIGHT VENTRICULAR, WITH SKIN, HAIR, AND NAIL ABNORMALITIES; PALMOPLANTAR KERATODERMA WITH ARRHYTHMOGENIC RIGHT VENTRICULAR CARDIOMYOPATHY AND WOOLLY HAIR; WOOLLY HAIR, PALMOPLANTAR KERATODERMA, AND CARDIAC ABNORMALITIES; KERATOSIS PALMOPLANTARIS WITH ARRHYTHMOGENIC CARDIOMYOPATHY; MAL DE NAXOS. Identifiers: Orphanet 34217, MedGen C1832600, MONDO:0011017, OMIM 601214.
Arrhythmogenic right ventricular dysplasia 12. Also called: ARRHYTHMOGENIC RIGHT VENTRICULAR DYSPLASIA, FAMILIAL, 12. Identifiers: MedGen C1969081, MONDO:0012684, OMIM 611528.
Cardiovascular phenotype. Identifiers: MedGen CN230736.

Allele frequency attached by ClinVar (database versions not stated): gnomAD 0.00001; TOPMed 0.00003.
gnomAD v4.1: 18 of 1,613,580 alleles (0.0011%); highest among the groups gnomAD compares: Admixed American, 0.015%; no homozygotes.

Submissions (3):

Labcorp Genetics (formerly Invitae), Labcorp
Classification: Likely benign for Arrhythmogenic right ventricular dysplasia 12; Naxos disease. Last evaluated: 2025-10-22. Review status: criteria provided, single submitter. Criteria: Invitae Variant Classification Sherloc (09022015). Collection method: clinical testing. Allele origin: germline.

Ambry Genetics
Classification: Benign for Cardiovascular phenotype. Last evaluated: 2021-07-26. Review status: criteria provided, single submitter. Criteria: Ambry Variant Classification Scheme 2023. Collection method: clinical testing. Allele origin: germline.

GeneDx
Classification: Likely benign. Last evaluated: 2016-07-06. Review status: criteria provided, single submitter. Criteria: GeneDx Variant Classification (06012015). Collection method: clinical testing. Allele origin: germline. Affected: yes.
Comment: This variant is considered likely benign or benign based on one or more of the following criteria: it is a conservative change, it occurs at a poorly conserved position in the protein, it is predicted to be benign by multiple in silico algorithms, and/or has population frequency not consistent with disease.